The following is an entry in ClinVar:

NM_001243133.2(NLRP3):c.515T>C (p.Ile172Thr)

Gene: NLRP3 (NLR family pyrin domain containing 3; plus strand). Cytogenetic location: 1q44.
Variant type: single nucleotide variant.
Coding change: c.515T>C on transcript NM_001243133.2 (MANE Select); coding-DNA position 515, T replaced by C.
Protein change: p.Ile172Thr; replaces isoleucine 172 with threonine.
Molecular consequence: missense variant.
Genome position (GRCh38, 1-based): chr1:247,423,964, T>C. VCF-style: chr1-247423964-T-C. GRCh37 (hg19) VCF-style: chr1-247587266-T-C.
Other names: c.515T>C, p.Ile172Thr (NM_001079821.3, NM_001127461.3, NM_001127462.3 and 1 more transcripts); c.521T>C, p.Ile174Thr (NM_004895.5); short protein forms I174T, I172T.
Identifiers: ClinVar variation 97964 (VCV000097964.6), dbSNP rs180177449, ClinGen allele CA281331.
Genomic context (GRCh38, chr1:247,423,964, plus strand): 5'-GGAATGCCCGTCTGGGTGAGAGTGTGAGCCTCAACAAACGCTACACACGACTGCGTCTCA[T>C]CAAGGAGCACCGGAGCCAGCAGGAGAGGGAGCAGGAGCTTCTGGCCATCGGCAAGACCAA-3'
Protein context (NP_001230062.1, residues 162-182): LNKRYTRLRL[Ile172Thr]KEHRSQQERE

ClinVar aggregate classification (germline): Likely pathogenic. Review status: criteria provided, single submitter (1 of 4 stars). 2 submissions from 2 submitters: Likely pathogenic (1). 1 of the submissions does not count toward it. Last evaluated 2021-05-27.

Conditions:
Cryopyrin associated periodic syndrome (CAPS). Identifiers: Orphanet 208650, MedGen C2316212, MONDO:0016168.
Familial cold autoinflammatory syndrome 1 (FCAS1). Also called: Familial cold inflammatory syndrome 1; CRYOPYRIN-ASSOCIATED PERIODIC SYNDROME 1. Identifiers: Orphanet 47045, MedGen C4551895, MONDO:0007349, OMIM 120100.

Submissions (2):

Labcorp Genetics (formerly Invitae), Labcorp
Classification: Likely pathogenic for Cryopyrin associated periodic syndrome. Last evaluated: 2021-05-27. Review status: criteria provided, single submitter. Criteria: Invitae Variant Classification Sherloc (09022015). Collection method: clinical testing. Allele origin: germline.
Comment: In summary, the currently available evidence indicates that the variant is pathogenic, but additional data are needed to prove that conclusively. Therefore, this variant has been classified as Likely Pathogenic. Algorithms developed to predict the effect of missense changes on protein structure and function (SIFT, PolyPhen-2, Align-GVGD) all suggest that this variant is likely to be tolerated, but these predictions have not been confirmed by published functional studies and their clinical significance is uncertain. This variant has been observed in individual(s) with cryopyrin-associated periodic syndrome (PMID: 15231984, Invitae). In at least one individual the variant was observed to be de novo. The variant is also known as p.I172T. ClinVar contains an entry for this variant (Variation ID: 97964). This variant is not present in population databases (ExAC no frequency). This sequence change replaces isoleucine with threonine at codon 174 of the NLRP3 protein (p.Ile174Thr). The isoleucine residue is weakly conserved and there is a moderate physicochemical difference between isoleucine and threonine.

Unité médicale des maladies autoinflammatoires, CHRU Montpellier
No classification provided. Condition: Familial cold urticaria. Review status: no classification provided. Collection method: not provided. Allele origin: unknown. Not counted in ClinVar's aggregate classification.
Comment: also involved in OMIM 191900 and 607115

Literature cited by the submitters: PubMed 15231984 (cited by Labcorp Genetics (formerly Invitae), Labcorp).